The following is an entry in ClinVar:

NM_020921.4(NIN):c.3197T>A (p.Val1066Asp)

Gene: NIN (ninein; minus strand). Cytogenetic location: 14q22.1.
Variant type: single nucleotide variant.
Coding change: c.3197T>A on transcript NM_020921.4 (MANE Select); coding-DNA position 3197, T replaced by A.
Protein change: p.Val1066Asp; replaces valine 1066 with aspartic acid.
Molecular consequence: missense variant. On other transcripts: intron variant (1).
Genome position (GRCh38, 1-based): chr14:50,757,833, A>T on the plus strand (T>A on the coding strand, the complement: NIN is on the minus strand). VCF-style: chr14-50757833-A-T. GRCh37 (hg19) VCF-style: chr14-51224551-A-T.
Other names: c.3197T>A, p.Val1066Asp (NM_182944.3, NM_182946.2); c.2399+2024T>A (NM_016350.5); short protein forms V1066D.
Identifiers: ClinVar variation 444329 (VCV000444329.57), dbSNP rs78280523, ClinGen allele CA7181783.
Genomic context (GRCh38, chr14:50,757,833, plus strand): 5'-GTAGCCATTTTCACATTTTCCTTCACTGCCTGTTCATGAGCTCTCTGCAGGCTTAAGAGG[A>T]CGTCCCCATTTTCTTCCAACAGCTGCTCCCCTTGCTGAAGCAGGGACAGGGCTCCATCTC-3'
Protein context (NP_065972.4, residues 1056-1076): GEQLLEENGD[Val1066Asp]LLSLQRAHEQ

ClinVar aggregate classification (germline): Conflicting classifications of pathogenicity. Review status: criteria provided, conflicting classifications (1 of 4 stars). 7 submissions from 7 submitters: Uncertain significance (1); Likely benign (3). 3 of the submissions do not count toward it. Last evaluated 2026-07-01.

Conditions:
NIN-related disorder. Also called: NIN-related condition.

Allele frequency attached by ClinVar (database versions not stated): 1000 Genomes Project 30x 0.00234; 1000 Genomes Project 0.00240; TOPMed 0.00272; ExAC 0.00273; gnomAD exomes 0.00294 and 0.00427; gnomAD 0.00314 and 0.00316; ESP Exome Variant Server 0.00384.
gnomAD v4.1: 6,662 of 1,614,046 alleles (0.41%); highest among the groups gnomAD compares: Non-Finnish European, 0.5%; 17 homozygotes.

Submissions (7):

CeGaT Center for Human Genetics Tuebingen
Classification: Likely benign. Last evaluated: 2026-07-01. Review status: criteria provided, single submitter. Criteria: CeGaT Center For Human Genetics Tuebingen Variant Classification Criteria Version 2. Collection method: clinical testing. Allele origin: germline. Affected: yes. Observed: 9 variant alleles.
Comment: NIN: BP4, BS2

Labcorp Genetics (formerly Invitae), Labcorp
Classification: Likely benign. Last evaluated: 2026-01-30. Review status: criteria provided, single submitter. Criteria: Invitae Variant Classification Sherloc (09022015). Collection method: clinical testing. Allele origin: germline.

Blueprint Genetics
Classification: Likely benign. Last evaluated: 2024-11-21. Review status: criteria provided, single submitter. Criteria: ACMG Guidelines, 2015. Collection method: clinical testing. Allele origin: germline.

Genetic Services Laboratory, University of Chicago
Classification: Uncertain significance. Last evaluated: 2019-06-10. Review status: criteria provided, single submitter. Criteria: ACMG Guidelines, 2015. Collection method: clinical testing. Allele origin: germline. Affected: no.

PreventionGenetics, part of Exact Sciences
Classification: Likely benign for NIN-related condition. Last evaluated: 2019-06-26. Review status: no assertion criteria provided. Collection method: clinical testing. Allele origin: germline. Not counted in ClinVar's aggregate classification.
Comment: This variant is classified as likely benign based on ACMG/AMP sequence variant interpretation guidelines (Richards et al. 2015 PMID: 25741868, with internal and published modifications).

Clinical Genetics DNA and cytogenetics Diagnostics Lab, Erasmus MC, Erasmus Medical Center
Classification: Uncertain significance. Review status: no assertion criteria provided. Collection method: clinical testing. Allele origin: germline. Affected: yes. Study: VKGL Data-share Consensus. Not counted in ClinVar's aggregate classification.

Laboratory of Diagnostic Genome Analysis, Leiden University Medical Center (LUMC)
Classification: Uncertain significance. Review status: no assertion criteria provided. Collection method: clinical testing. Allele origin: germline. Affected: yes. Study: VKGL Data-share Consensus. Not counted in ClinVar's aggregate classification.